The following is an entry in ClinVar:

ClinVar aggregate classification (germline): Uncertain significance (1 of 4 stars; one submission).

Conditions:
Primary ciliary dyskinesia. Also called: Ciliary dyskinesia. Identifiers: Orphanet 244, MedGen C0008780, MONDO:0016575, HP:0012265.

Allele frequency attached by ClinVar (database versions not stated): gnomAD exomes below 0.00001.
gnomAD v4.1: 1 of 1,614,204 alleles (0.000062%); highest among the groups gnomAD compares: Non-Finnish European, 0.000085%; no homozygotes.

Submission:

Labcorp Genetics (formerly Invitae), Labcorp
Classification: Uncertain significance for Primary ciliary dyskinesia. Last evaluated: 2022-07-05. Review status: criteria provided, single submitter. Criteria: Invitae Variant Classification Sherloc (09022015). Collection method: clinical testing. Allele origin: germline.
Comment: In summary, the available evidence is currently insufficient to determine the role of this variant in disease. Therefore, it has been classified as a Variant of Uncertain Significance. Algorithms developed to predict the effect of missense changes on protein structure and function output the following: SIFT: "Tolerated"; PolyPhen-2: "Benign"; Align-GVGD: "Class C0". The arginine amino acid residue is found in multiple mammalian species, which suggests that this missense change does not adversely affect protein function. ClinVar contains an entry for this variant (Variation ID: 407764). This variant has not been reported in the literature in individuals affected with CCDC40-related conditions. This variant is not present in population databases (gnomAD no frequency). This sequence change replaces glutamine, which is neutral and polar, with arginine, which is basic and polar, at codon 420 of the CCDC40 protein (p.Gln420Arg).

NM_017950.4(CCDC40):c.1259A>G (p.Gln420Arg)

Gene: CCDC40 (coiled-coil domain 40 molecular ruler complex subunit; plus strand). Cytogenetic location: 17q25.3.
Variant type: single nucleotide variant.
Coding change: c.1259A>G on transcript NM_017950.4 (MANE Select); coding-DNA position 1259, A replaced by G.
Protein change: p.Gln420Arg; replaces glutamine 420 with arginine.
Molecular consequence: missense variant.
Genome position (GRCh38, 1-based): chr17:80,058,593, A>G. VCF-style: chr17-80058593-A-G. GRCh37 (hg19) VCF-style: chr17-78032392-A-G.
Other names: c.1259A>G, p.Gln420Arg (NM_001243342.2, NM_001330508.2); short protein forms Q420R.
Identifiers: ClinVar variation 407764 (VCV000407764.9), dbSNP rs1060501720, ClinGen allele CA16616020.